The following is an entry in ClinVar:

ClinVar aggregate classification (germline): Uncertain significance (1 of 4 stars; one submission).

Submission:

GeneDx
Classification: Uncertain significance. Last evaluated: 2024-12-26. Review status: criteria provided, single submitter. Criteria: GeneDx Variant Classification Process June 2021. Collection method: clinical testing. Allele origin: germline. Affected: yes.
Comment: Has not been previously published as pathogenic or benign to our knowledge; Not observed at significant frequency in large population cohorts (gnomAD); Frameshift variant predicted to result in protein truncation or nonsense mediated decay in a gene or region of a gene for which loss of function is not a well-established mechanism of disease

NM_016203.4(PRKAG2):c.62del (p.Gly21fs)

Gene: PRKAG2 (protein kinase AMP-activated non-catalytic subunit gamma 2; minus strand). Cytogenetic location: 7q36.1.
Variant type: Deletion.
Coding change: c.62del on transcript NM_016203.4 (MANE Select); coding-DNA position 62, one base deleted (G; older notation c.62delG).
Protein change: p.Gly21fs; shifts the reading frame from glycine 21.
Molecular consequence: frameshift variant.
Genome position (GRCh38, 1-based): chr7:151,876,559, C deleted on the plus strand (G on the coding strand, the reverse complement: PRKAG2 is on the minus strand); the first of 2 consecutive C bases (chr7:151,876,559-151,876,560); deleting either gives the same sequence. VCF-style (leftmost placement, unchanged base first): chr7-151876558-GC-G. GRCh37 (hg19) VCF-style: chr7-151573643-GC-G.
Other names: c.62delG (NM_016203.3); c.62del (NM_016203.3); short protein forms G21fs.
Identifiers: ClinVar variation 181486 (VCV000181486.3), dbSNP rs730880986, ClinGen allele CA014433.